The following is an entry in ClinVar:

NM_007194.4(CHEK2):c.84C>T (p.Ser28=)

Gene: CHEK2 (checkpoint kinase 2; minus strand). Cytogenetic location: 22q12.1.
Variant type: single nucleotide variant.
Coding change: c.84C>T on transcript NM_007194.4 (MANE Select); coding-DNA position 84, C replaced by T.
Protein change: p.Ser28=; no amino-acid change (serine 28 retained).
Molecular consequence: synonymous variant.
Genome position (GRCh38, 1-based): chr22:28,734,638, G>A on the plus strand (C>T on the coding strand, the complement: CHEK2 is on the minus strand). VCF-style: chr22-28734638-G-A. GRCh37 (hg19) VCF-style: chr22-29130626-G-A.
Other names: c.84C>T, p.Ser28= (NM_001005735.3, NM_001349956.3, NM_145862.3); c.-694C>T (NM_001257387.3).
Identifiers: ClinVar variation 460859 (VCV000460859.18), dbSNP rs863224415, ClinGen allele CA513946619.

ClinVar aggregate classification (germline): Benign/Likely benign. Review status: criteria provided, multiple submitters, no conflicts (2 of 4 stars). 3 submissions from 3 submitters: Benign (1); Likely benign (2). Last evaluated 2024-10-01.

Conditions:
Familial cancer of breast. Also called: BREAST CANCER, FAMILIAL; Hereditary breast cancer; hereditary breast carcinoma. Identifiers: Orphanet 227535, MedGen C0346153, MONDO:0016419, OMIM 114480. Disease mechanism: loss of function.
Hereditary cancer-predisposing syndrome. Also called: Neoplastic Syndromes, Hereditary; Hereditary Cancer Syndrome; Hereditary neoplastic syndrome; Tumor predisposition. Identifiers: Orphanet 140162, MedGen C0027672, MeSH D009386, MONDO:0015356.

Allele frequency attached by ClinVar (database versions not stated): gnomAD exomes below 0.00001.
gnomAD v4.1: 1 of 1,613,884 alleles (0.000062%); highest among the groups gnomAD compares: African/African-American, 0.0013%; no homozygotes.

Submissions (3):

Myriad Genetics, Inc.
Classification: Benign for Familial cancer of breast. Last evaluated: 2024-10-01. Review status: criteria provided, single submitter. Criteria: Myriad Autosomal Dominant, Autosomal Recessive and X-Linked Classification Criteria (2023). Collection method: clinical testing. Allele origin: unknown.
Comment: This variant is considered benign. This variant is a silent/synonymous amino acid change and it is not expected to impact splicing.

Ambry Genetics
Classification: Likely benign for Hereditary cancer-predisposing syndrome. Last evaluated: 2019-04-15. Review status: criteria provided, single submitter. Criteria: Ambry Variant Classification Scheme 2023. Collection method: clinical testing. Allele origin: germline.

Labcorp Genetics (formerly Invitae), Labcorp
Classification: Likely benign for Familial cancer of breast. Last evaluated: 2019-01-29. Review status: criteria provided, single submitter. Criteria: Invitae Variant Classification Sherloc (09022015). Collection method: clinical testing. Allele origin: germline.